The following is an entry in ClinVar:

ClinVar aggregate classification (germline): Uncertain significance. Review status: criteria provided, multiple submitters, no conflicts (2 of 4 stars). 3 submissions from 3 submitters: Uncertain significance (3). Last evaluated 2024-11-10.

Conditions:
Familial cold autoinflammatory syndrome 3 (FCAS3). Also called: FAMILIAL ATYPICAL COLD URTICARIA; ANTIBODY DEFICIENCY AND IMMUNE DYSREGULATION, PLCG2-ASSOCIATED. Identifiers: Orphanet 300359, MedGen C3280914, MONDO:0013766, OMIM 614468.
Inborn genetic diseases. Identifiers: MedGen C0950123, MeSH D030342.

gnomAD v4.1: 9 of 1,613,862 alleles (0.00056%); highest among the groups gnomAD compares: Admixed American, 0.0017%; no homozygotes.

Submissions (3):

Ambry Genetics
Classification: Uncertain significance for Inborn genetic diseases. Last evaluated: 2024-11-10. Review status: criteria provided, single submitter. Criteria: Ambry Variant Classification Scheme 2023. Collection method: clinical testing. Allele origin: germline.

Labcorp Genetics (formerly Invitae), Labcorp
Classification: Uncertain significance for Familial cold autoinflammatory syndrome 3. Last evaluated: 2024-08-09. Review status: criteria provided, single submitter. Criteria: Invitae Variant Classification Sherloc (09022015). Collection method: clinical testing. Allele origin: germline.
Comment: This sequence change replaces glutamine, which is neutral and polar, with histidine, which is basic and polar, at codon 1117 of the PLCG2 protein (p.Gln1117His). This variant is not present in population databases (gnomAD no frequency). This variant has not been reported in the literature in individuals affected with PLCG2-related conditions. An algorithm developed to predict the effect of missense changes on protein structure and function (PolyPhen-2) suggests that this variant is likely to be disruptive. In summary, the available evidence is currently insufficient to determine the role of this variant in disease. Therefore, it has been classified as a Variant of Uncertain Significance.

Blueprint Genetics
Classification: Uncertain significance. Last evaluated: 2023-03-10. Review status: criteria provided, single submitter. Criteria: ACMG Guidelines, 2015. Collection method: clinical testing. Allele origin: germline.

NM_002661.5(PLCG2):c.3351G>C (p.Gln1117His)

Gene: PLCG2 (phospholipase C gamma 2; plus strand). Cytogenetic location: 16q23.3.
Variant type: single nucleotide variant.
Coding change: c.3351G>C on transcript NM_002661.5 (MANE Select); coding-DNA position 3351, G replaced by C.
Protein change: p.Gln1117His; replaces glutamine 1117 with histidine.
Molecular consequence: missense variant.
Genome position (GRCh38, 1-based): chr16:81,939,929, G>C. VCF-style: chr16-81939929-G-C. GRCh37 (hg19) VCF-style: chr16-81973534-G-C.
Other names: c.3351G>C, p.Gln1117His (NM_001425749.1, NM_001425750.1, NM_001425751.1); short protein forms Q1117H.
Identifiers: ClinVar variation 3420075 (VCV003420075.4).